The following is an entry in ClinVar:

NM_018297.4(NGLY1):c.176C>G (p.Thr59Arg)

Gene: NGLY1 (N-glycanase 1; minus strand). Cytogenetic location: 3p24.2.
Variant type: single nucleotide variant.
Coding change: c.176C>G on transcript NM_018297.4 (MANE Select); coding-DNA position 176, C replaced by G.
Protein change: p.Thr59Arg; replaces threonine 59 with arginine.
Molecular consequence: missense variant.
Genome position (GRCh38, 1-based): chr3:25,778,644, G>C on the plus strand (C>G on the coding strand, the complement: NGLY1 is on the minus strand). VCF-style: chr3-25778644-G-C. GRCh37 (hg19) VCF-style: chr3-25820135-G-C.
Other names: c.176C>G, p.Thr59Arg (NM_001145293.2, NM_001145295.2); c.50C>G, p.Thr17Arg (NM_001145294.2); short protein forms T17R, T59R.
Identifiers: ClinVar variation 2005338 (VCV002005338.4), dbSNP rs1220042727, ClinGen allele CA351911060.

ClinVar aggregate classification (germline): Uncertain significance (1 of 4 stars; one submission).

Conditions:
Congenital disorder of deglycosylation (CDDG). Identifiers: MedGen C3808991, MONDO:0031376.

Submission:

Labcorp Genetics (formerly Invitae), Labcorp
Classification: Uncertain significance for Congenital disorder of deglycosylation. Last evaluated: 2022-06-13. Review status: criteria provided, single submitter. Criteria: Invitae Variant Classification Sherloc (09022015). Collection method: clinical testing. Allele origin: germline.
Comment: Algorithms developed to predict the effect of missense changes on protein structure and function are either unavailable or do not agree on the potential impact of this missense change (SIFT: "Tolerated"; PolyPhen-2: "Possibly Damaging"; Align-GVGD: "Class C0"). This variant has not been reported in the literature in individuals affected with NGLY1-related conditions. This variant is not present in population databases (gnomAD no frequency). This sequence change replaces threonine, which is neutral and polar, with arginine, which is basic and polar, at codon 59 of the NGLY1 protein (p.Thr59Arg). In summary, the available evidence is currently insufficient to determine the role of this variant in disease. Therefore, it has been classified as a Variant of Uncertain Significance.